The following is an entry in ClinVar:

NM_152443.3(RDH12):c.378G>A (p.Ala126=)

Genes: GPHN (gephyrin; plus strand), RDH12 (retinol dehydrogenase 12; plus strand). Cytogenetic location: 14q24.1.
Variant type: single nucleotide variant.
Coding change: c.378G>A on transcript NM_152443.3 (MANE Select); coding-DNA position 378, G replaced by A.
Protein change: p.Ala126=; no amino-acid change (alanine 126 retained).
Molecular consequence: synonymous variant.
Genome position (GRCh38, 1-based): chr14:67,726,085, G>A. VCF-style: chr14-67726085-G-A. GRCh37 (hg19) VCF-style: chr14-68192802-G-A.
Other names: c.378G>A (NM_152443.2).
Identifiers: ClinVar variation 2040199 (VCV002040199.7), dbSNP rs751219090, ClinGen allele CA7238692.
Genomic context (GRCh38, chr14:67,726,085, plus strand): 5'-AGGATCTCTTTGGTTGTGCCCTATAGAGGAAAAGCAGCTCCATATTCTGATCAACAATGC[G>A]GGAGTAATGATGTGTCCATATTCCAAGACAGCTGATGGCTTTGAAACCCACCTGGGAGTC-3'
Protein context (NP_689656.2, residues 116-136): EKQLHILINN[Ala126=]GVMMCPYSKT

ClinVar aggregate classification (germline): Conflicting classifications of pathogenicity. Review status: criteria provided, conflicting classifications (1 of 4 stars). 4 submissions from 4 submitters: Uncertain significance (1); Likely benign (2). 1 of the submissions does not count toward it. Last evaluated 2025-05-09.

Conditions:
RDH12-related disorder. Also called: RDH12-related disorders; RDH12-related condition.
Leber congenital amaurosis 13 (LCA13). Identifiers: MedGen C2675186, MONDO:0012990, OMIM 612712.
Retinal dystrophy. Also called: Inherited retinal dystrophy. Identifiers: Orphanet 71862, MedGen C0854723, MeSH D058499, MONDO:0019118, HP:0000556.

Allele frequency attached by ClinVar (database versions not stated): ExAC 0.00002; gnomAD exomes 0.00002; gnomAD 0.00003.
gnomAD v4.1: 41 of 1,613,880 alleles (0.0025%); highest among the groups gnomAD compares: Admixed American, 0.0033%; no homozygotes.

Submissions (4):

PreventionGenetics, part of Exact Sciences
Classification: Likely benign for RDH12-related condition. Last evaluated: 2025-05-09. Review status: criteria provided, single submitter. Criteria: ACMG Guidelines, 2015. Collection method: clinical testing. Allele origin: germline.
Comment: This variant is classified as likely benign based on ACMG/AMP sequence variant interpretation guidelines (Richards et al. 2015 PMID: 25741868, with internal and published modifications).

Blueprint Genetics
Classification: Uncertain significance. Last evaluated: 2024-02-21. Review status: criteria provided, single submitter. Criteria: ACMG Guidelines, 2015. Collection method: clinical testing. Allele origin: germline.

Labcorp Genetics (formerly Invitae), Labcorp
Classification: Likely benign for Leber congenital amaurosis 13. Last evaluated: 2023-12-09. Review status: criteria provided, single submitter. Criteria: Invitae Variant Classification Sherloc (09022015). Collection method: clinical testing. Allele origin: germline.

Institute of Human Genetics, Univ. Regensburg, Univ. Regensburg
Classification: Uncertain significance for Retinal dystrophy. Last evaluated: 2022-01-01. Review status: no assertion criteria provided. Criteria: ACMG Guidelines, 2015. Collection method: clinical testing. Allele origin: germline. Affected: yes. Not counted in ClinVar's aggregate classification.